The following is an entry in ClinVar:

NM_001122955.4(BSCL2):c.1207GAG[1] (p.Glu404del)

Genes: BSCL2 (BSCL2 lipid droplet biogenesis associated, seipin; minus strand), HNRNPUL2-BSCL2 (HNRNPUL2-BSCL2 readthrough (NMD candidate); minus strand). Cytogenetic location: 11q12.3.
Variant type: Microsatellite.
Coding change: c.1207GAG[1] on transcript NM_001122955.4 (MANE Select); one copy of the 3-base unit GAG starting at c.1207; the reference has two copies in a row; one copy, 3 bases deleted; also written c.1210_1212del.
Protein change: p.Glu404del; deletes glutamic acid 404.
Molecular consequence: inframe deletion. On other transcripts: non-coding transcript variant (1), 3 prime UTR variant (1).
Genome position (GRCh38, 1-based): chr11:62,690,634-62,690,636, CTC deleted on the plus strand (GAG on the coding strand, the reverse complement: BSCL2 is on the minus strand); deleting any 3 consecutive bases within chr11:62,690,634-62,690,639 gives the same sequence; the position shown is the placement nearest the transcript's 3' end. VCF-style (leftmost placement, unchanged base first): chr11-62690633-GCTC-G. GRCh37 (hg19) VCF-style: chr11-62458105-GCTC-G.
Other names: p.Glu340del; c.1210_1212del (NM_001122955.3); c.*9GAG[1] (NM_001130702.2); c.1213GAG[1], p.Glu406del (NM_001386027.1); c.1207GAG[1], p.Glu404del (NM_001386028.1); c.1015GAG[1], p.Glu340del (NM_032667.6); c.1018_1020delGAG (NM_032667.6); c.1018_1020del (NM_032667.6); and 1 more; short protein forms E340del, E404del, E406del.
Identifiers: ClinVar variation 696445 (VCV000696445.20), dbSNP rs556562410, ClinGen allele CA6053290.

ClinVar aggregate classification (germline): Conflicting classifications of pathogenicity. Review status: criteria provided, conflicting classifications (1 of 4 stars). 8 submissions from 8 submitters: Uncertain significance (4); Uncertain risk allele (1); Likely benign (3). Last evaluated 2025-11-09.

Conditions:
BSCL2-related disorder. Also called: BSCL2-Related Disorders; BSCL2-related condition.
Monogenic diabetes. Identifiers: Orphanet 183625, MedGen C3888631, MONDO:0015967.
Charcot-Marie-Tooth disease type 2. Also called: Charcot-Marie-Tooth type 2. Identifiers: Orphanet 64746, MedGen C0270914, MONDO:0018993.
Inborn genetic diseases. Identifiers: MedGen C0950123, MeSH D030342.
Congenital generalized lipodystrophy type 2 (CGL2). Also called: Berardinelli-Seip Congenital Lipodystrophy Type 2; BERARDINELLI SYNDROME; BRUNZELL SYNDROME, BSCL2-RELATED; SEIP SYNDROME. Identifiers: Orphanet 528, Orphanet 696289, MedGen C1720863, MONDO:0010020, OMIM 269700.

Submissions (8):

Labcorp Genetics (formerly Invitae), Labcorp
Classification: Likely benign for Charcot-Marie-Tooth disease type 2. Last evaluated: 2025-11-09. Review status: criteria provided, single submitter. Criteria: Invitae Variant Classification Sherloc (09022015). Collection method: clinical testing. Allele origin: germline.

PreventionGenetics, part of Exact Sciences
Classification: Likely benign for BSCL2-related condition. Last evaluated: 2025-07-03. Review status: criteria provided, single submitter. Criteria: ACMG Guidelines, 2015. Collection method: clinical testing. Allele origin: germline.
Comment: This variant is classified as likely benign based on ACMG/AMP sequence variant interpretation guidelines (Richards et al. 2015 PMID: 25741868, with internal and published modifications).

Mayo Clinic Laboratories, Mayo Clinic
Classification: Uncertain significance. Last evaluated: 2023-12-11. Review status: criteria provided, single submitter. Criteria: ACMG Guidelines, 2015. Collection method: clinical testing. Allele origin: germline. Observed: 1 variant allele.
Comment: BS1, PM4

GeneDx
Classification: Uncertain significance. Last evaluated: 2023-10-13. Review status: criteria provided, single submitter. Criteria: GeneDx Variant Classification Process June 2021. Collection method: clinical testing. Allele origin: germline. Affected: yes.
Comment: In-frame deletion of 1 amino acid in a non-repeat region; In silico analysis supports that this variant does not alter protein structure/function; Has not been previously published as pathogenic or benign to our knowledge

New York Genome Center
Classification: Uncertain significance for Congenital generalized lipodystrophy type 2. Last evaluated: 2022-02-10. Review status: criteria provided, single submitter. Criteria: NYGC Assertion Criteria 2020. Collection method: clinical testing. Allele origin: germline. Observed: 2 heterozygotes. Clinical features observed: Insulin resistance (HP:0000855), Diabetes mellitus (HP:0000819), Crohn disease (HP:0100280), Type 2 diabetes mellitus (HP:0005978), Hepatic steatosis (HP:0001397).

Ambry Genetics
Classification: Likely benign for Inborn genetic diseases. Last evaluated: 2021-11-03. Review status: criteria provided, single submitter. Criteria: Ambry Variant Classification Scheme 2023. Collection method: clinical testing. Allele origin: germline.

Personalized Diabetes Medicine Program, University of Maryland School of Medicine
Classification: Uncertain significance for Monogenic diabetes. Last evaluated: 2018-01-05. Review status: criteria provided, single submitter. Criteria: ACMG Guidelines, 2015. Collection method: research. Allele origin: unknown. Observed: 1 variant allele, 1 heterozygote.
Comment: ACMG criteria: PM4 (nonframeshift)=VUS

Clinical Genomics, Uppaluri K&H Personalized Medicine Clinic
Classification: Uncertain risk allele for Congenital generalized lipodystrophy type 2. Review status: criteria provided, single submitter. Criteria: K And H Uppaluri Personalized Medicine Clinic Variant Classification And Assertion Criteria Updated V 2. Collection method: research. Allele origin: unknown. Inheritance: Autosomal recessive inheritance.
Comment: Potent mutations in BSCL2 gene are associated with Congenital generalized lipodystrophy, type 2, which can present with insulin resistance, fatty liver and diabetes.However, the role of this particular variant rs556562410 of Congenital Generalized Lipodystrophy type 2 remains uncertain

Literature cited by the submitters: PubMed 35351089 (cited by Clinical Genomics, Uppaluri K&H Personalized Medicine Clinic); PubMed 18690553 (cited by Clinical Genomics, Uppaluri K&H Personalized Medicine Clinic); PubMed 31824185 (cited by Clinical Genomics, Uppaluri K&H Personalized Medicine Clinic).